The following is an entry in ClinVar:

ClinVar aggregate classification (germline): Pathogenic. Review status: criteria provided, multiple submitters, no conflicts (2 of 4 stars). 2 submissions from 2 submitters: Pathogenic (2). Last evaluated 2024-03-17.

Conditions:
Fructose-biphosphatase deficiency (FBP1D). Also called: Fructose-1,6-Diphosphatase Deficiency; Fructose 1,6 Bisphosphatase Deficiency; Fructose-1,6-Bisphosphatase 1 Deficiency. Identifiers: Orphanet 348, MedGen C0016756, MONDO:0009251, OMIM 229700.

Allele frequency attached by ClinVar (database versions not stated): gnomAD exomes below 0.00001.

Submissions (2):

GeneDx
Classification: Pathogenic. Last evaluated: 2024-03-17. Review status: criteria provided, single submitter. Criteria: GeneDx Variant Classification Process June 2021. Collection method: clinical testing. Allele origin: germline. Affected: yes.
Comment: Frameshift variant predicted to result in protein truncation or nonsense mediated decay in a gene for which loss of function is a known mechanism of disease; Not observed at significant frequency in large population cohorts (gnomAD); This variant is associated with the following publications: (PMID: 29203193)

Revvity Omics, Revvity
Classification: Pathogenic for Fructose-biphosphatase deficiency. Last evaluated: 2020-09-09. Review status: criteria provided, single submitter. Criteria: ACMG Guidelines, 2015. Collection method: clinical testing. Allele origin: germline.

NM_000507.4(FBP1):c.392del (p.Val131fs)

Gene: FBP1 (fructose-bisphosphatase 1; minus strand). Cytogenetic location: 9q22.32.
Variant type: Deletion.
Coding change: c.392del on transcript NM_000507.4 (MANE Select); coding-DNA position 392, one base deleted (T; older notation c.392delT).
Protein change: p.Val131fs; shifts the reading frame from valine 131.
Molecular consequence: frameshift variant.
Genome position (GRCh38, 1-based): chr9:94,617,802, A deleted on the plus strand (T on the coding strand, the reverse complement: FBP1 is on the minus strand). VCF-style (leftmost placement, unchanged base first): chr9-94617801-CA-C. GRCh37 (hg19) VCF-style: chr9-97380083-CA-C.
Other names: c.392del, p.Val131fs (NM_001127628.2); short protein forms V131fs.
Identifiers: ClinVar variation 1322892 (VCV001322892.5), dbSNP rs2131486442, ClinGen allele CA2573053197.
Genomic context (GRCh38, chr9:94,617,801, plus strand): 5'-CCAAGTGCTTAAGATATCACGTTTTACCTTTCTATAGATGCCAAAAATGGTTCCAACGGA[CA>C]CAAGGCAATCGATGTTGGAAGATCCATCAAGGGGATCAAAACAGACCACATATTTACCCT-3'